The following is an entry in ClinVar:

NM_025179.4(PLXNA2):c.5513G>A (p.Arg1838His)

Gene: PLXNA2 (plexin A2; minus strand). Cytogenetic location: 1q32.2.
Variant type: single nucleotide variant.
Coding change: c.5513G>A on transcript NM_025179.4 (MANE Select); coding-DNA position 5513, G replaced by A.
Protein change: p.Arg1838His; replaces arginine 1838 with histidine.
Molecular consequence: missense variant.
Genome position (GRCh38, 1-based): chr1:208,028,085, C>T on the plus strand (G>A on the coding strand, the complement: PLXNA2 is on the minus strand). VCF-style: chr1-208028085-C-T. GRCh37 (hg19) VCF-style: chr1-208201430-C-T.
Other names: short protein forms R1838H.
Identifiers: ClinVar variation 3421147 (VCV003421147.2).
Genomic context (GRCh38, chr1:208,028,085, plus strand): 5'-CTGACATAGGAGTAGATCTCATTGAGGGCACTCAGCATGTTGAACTCCACGGCGTGCAGG[C>T]GGGACTGCTCGGCGAGGTAGGCATTCATGTCCTGGTCACTGATGGCTGGGAGCTTGGCGA-3'
Protein context (NP_079455.3, residues 1828-1848): DMNAYLAEQS[Arg1838His]LHAVEFNMLS

ClinVar aggregate classification (germline): Uncertain significance. Review status: criteria provided, multiple submitters, no conflicts (2 of 4 stars). 2 submissions from 2 submitters: Uncertain significance (2). Last evaluated 2026-02-03.

Conditions:
PLXNA2-related disorder. Also called: PLXNA2-related condition.

gnomAD v4.1: 7 of 1,613,510 alleles (0.00043%); highest among the groups gnomAD compares: African/African-American, 0.0027%; no homozygotes.

Submissions (2):

PreventionGenetics, part of Exact Sciences
Classification: Uncertain significance for PLXNA2-related condition. Last evaluated: 2026-02-03. Review status: criteria provided, single submitter. Criteria: ACMG Guidelines, 2015. Collection method: clinical testing. Allele origin: germline.
Comment: The PLXNA2 c.5513G>A variant is predicted to result in the amino acid substitution p.Arg1838His. To our knowledge, this variant has not been reported in the literature. This variant is reported in 0.0055% of alleles in individuals of East Asian descent in gnomAD. At this time, the clinical significance of this variant is uncertain due to the absence of conclusive functional and genetic evidence.

Ambry Genetics
Classification: Uncertain significance. Last evaluated: 2024-12-05. Review status: criteria provided, single submitter. Criteria: Ambry Variant Classification Scheme 2023. Collection method: clinical testing. Allele origin: germline.